The following is an entry in ClinVar:

ClinVar aggregate classification (germline): Likely benign. Review status: criteria provided, multiple submitters, no conflicts (2 of 4 stars). 2 submissions from 2 submitters: Likely benign (2). Last evaluated 2025-09-08.

Allele frequency attached by ClinVar (database versions not stated): ESP Exome Variant Server 0.00023.
gnomAD v4.1: 279 of 1,610,248 alleles (0.017%); highest among the groups gnomAD compares: Non-Finnish European, 0.022%; 1 homozygote.

Submissions (2):

Labcorp Genetics (formerly Invitae), Labcorp
Classification: Likely benign. Last evaluated: 2025-09-08. Review status: criteria provided, single submitter. Criteria: Invitae Variant Classification Sherloc (09022015). Collection method: clinical testing. Allele origin: germline.

CeGaT Center for Human Genetics Tuebingen
Classification: Likely benign. Last evaluated: 2024-03-01. Review status: criteria provided, single submitter. Criteria: CeGaT Center For Human Genetics Tuebingen Variant Classification Criteria Version 2. Collection method: clinical testing. Allele origin: germline. Affected: yes. Observed: 3 variant alleles.
Comment: PHIP: BP7, BS1:Supporting

NM_017934.7(PHIP):c.2925C>A (p.Val975=)

Genes: IRAK1BP1 (interleukin 1 receptor associated kinase 1 binding protein 1; plus strand), PHIP (PHIP subunit of CUL4-Ring ligase complex; minus strand). Cytogenetic location: 6q14.1.
Variant type: single nucleotide variant.
Coding change: c.2925C>A on transcript NM_017934.7 (MANE Select); coding-DNA position 2925, C replaced by A.
Protein change: p.Val975=; no amino-acid change (valine 975 retained).
Molecular consequence: synonymous variant.
Genome position (GRCh38, 1-based): chr6:78,970,853, G>T on the plus strand (C>A on the coding strand, the complement: PHIP is on the minus strand). VCF-style: chr6-78970853-G-T. GRCh37 (hg19) VCF-style: chr6-79680570-G-T.
Identifiers: ClinVar variation 1299038 (VCV001299038.39), dbSNP rs140757402, ClinGen allele CA3899822.